The following is an entry in ClinVar:

ClinVar aggregate classification (germline): Likely benign (1 of 4 stars; one submission).

Conditions:
Disorders of Intracellular Cobalamin Metabolism. Identifiers: MedGen CN043592.

Allele frequency attached by ClinVar (database versions not stated): gnomAD exomes 0.00136; gnomAD 0.02434 and 0.02599; TOPMed 0.02713; 1000 Genomes Project 0.02796; 1000 Genomes Project 30x 0.02811.
gnomAD v4.1: 3,665 of 153,730 alleles (2.4%); highest among the groups gnomAD compares: African/African-American, 8.4%; 168 homozygotes.

Submission:

Illumina Laboratory Services, Illumina
Classification: Likely benign for Disorders of Intracellular Cobalamin Metabolism. Last evaluated: 2017-04-27. Review status: criteria provided, single submitter. Criteria: ICSL Variant Classification Criteria 13 December 2019. Collection method: clinical testing. Allele origin: germline.
Comment: This variant was observed as part of a predisposition screen in an ostensibly healthy population. A literature search was performed for the gene, cDNA change, and amino acid change (where applicable). No publications were found based on this search. Allele frequency data from public databases allowed determination this variant is unlikely to cause disease. Therefore, this variant is classified as likely benign.

NM_000254.3(MTR):c.*2879G>A

Gene: MTR (5-methyltetrahydrofolate-homocysteine methyltransferase; plus strand). Cytogenetic location: 1q43.
Variant type: single nucleotide variant.
Coding change: c.*2879G>A on transcript NM_000254.3 (MANE Select); 2879 bases downstream of the stop codon, G replaced by A.
Molecular consequence: 3 prime UTR variant.
Genome position (GRCh38, 1-based): chr1:236,900,523, G>A. VCF-style: chr1-236900523-G-A. GRCh37 (hg19) VCF-style: chr1-237063823-G-A.
Other names: c.*2879G>A (NM_001291939.1, NM_001291940.2).
Identifiers: ClinVar variation 296639 (VCV000296639.5), dbSNP rs74992803, ClinGen allele CA10610677.